The following is an entry in ClinVar:

ClinVar aggregate classification (germline): Uncertain significance. Review status: criteria provided, multiple submitters, no conflicts (2 of 4 stars). 2 submissions from 2 submitters: Uncertain significance (2). Last evaluated 2025-09-10.

Conditions:
Cardiovascular phenotype. Identifiers: MedGen CN230736.
Myofibrillar myopathy 5. Also called: Filaminopathy (type); FILAMINOPATHY, AUTOSOMAL DOMINANT. Identifiers: Orphanet 171445, MedGen C1836050, MONDO:0012289, OMIM 609524.
Hypertrophic cardiomyopathy 26. Also called: Cardiomyopathy, familial hypertrophic, 26. Identifiers: Orphanet 75249, MedGen C4310749, MONDO:0014883, OMIM 617047.
Distal myopathy with posterior leg and anterior hand involvement. Also called: WILLIAMS DISTAL MYOPATHY. Identifiers: Orphanet 63273, MedGen C3279722, MONDO:0013550, OMIM 614065.

Allele frequency attached by ClinVar (database versions not stated): TOPMed below 0.00001; ExAC 0.00001; gnomAD 0.00001; gnomAD exomes 0.00001 and 0.00002.

Submissions (2):

Labcorp Genetics (formerly Invitae), Labcorp
Classification: Uncertain significance for Distal myopathy with posterior leg and anterior hand involvement; Myofibrillar myopathy 5; Hypertrophic cardiomyopathy 26. Last evaluated: 2025-09-10. Review status: criteria provided, single submitter. Criteria: Invitae Variant Classification Sherloc (09022015). Collection method: clinical testing. Allele origin: germline.
Comment: This sequence change replaces aspartic acid, which is acidic and polar, with asparagine, which is neutral and polar, at codon 591 of the FLNC protein (p.Asp591Asn). This variant is present in population databases (rs768829742, gnomAD 0.01%). This variant has not been reported in the literature in individuals affected with FLNC-related conditions. ClinVar contains an entry for this variant (Variation ID: 646885). Invitae Evidence Modeling of protein sequence and biophysical properties (such as structural, functional, and spatial information, amino acid conservation, physicochemical variation, residue mobility, and thermodynamic stability) has been performed for this missense variant. However, the output from this modeling did not meet the statistical confidence thresholds required to predict the impact of this variant on FLNC protein function. In summary, the available evidence is currently insufficient to determine the role of this variant in disease. Therefore, it has been classified as a Variant of Uncertain Significance.

Ambry Genetics
Classification: Uncertain significance for Cardiovascular phenotype. Last evaluated: 2024-09-08. Review status: criteria provided, single submitter. Criteria: Ambry Variant Classification Scheme 2023. Collection method: clinical testing. Allele origin: germline.

NM_001458.5(FLNC):c.1771G>A (p.Asp591Asn)

Gene: FLNC (filamin C; plus strand). Cytogenetic location: 7q32.1.
Variant type: single nucleotide variant.
Coding change: c.1771G>A on transcript NM_001458.5 (MANE Select); coding-DNA position 1771, G replaced by A.
Protein change: p.Asp591Asn; replaces aspartic acid 591 with asparagine.
Molecular consequence: missense variant.
Genome position (GRCh38, 1-based): chr7:128,840,928, G>A. VCF-style: chr7-128840928-G-A. GRCh37 (hg19) VCF-style: chr7-128480982-G-A.
Other names: c.1771G>A, p.Asp591Asn (NM_001127487.2); short protein forms D591N.
Identifiers: ClinVar variation 646885 (VCV000646885.9), dbSNP rs768829742, ClinGen allele CA4474471.
Genomic context (GRCh38, chr7:128,840,928, plus strand): 5'-GTGCAAAAGGTCCGGGCCTGGGGTCCTGGTTTGGAGACTGGCCAGGTGGGCAAGTCAGCC[G>A]ATTTTGTGGTGGAAGCCATTGGCACCGAGGTGGGGACACTGGGTAAGTGGCTGGGGGGCA-3'
Protein context (NP_001449.3, residues 581-601): LETGQVGKSA[Asp591Asn]FVVEAIGTEV